The following is an entry in ClinVar:

NM_032043.3(BRIP1):c.1186C>G (p.His396Asp)

Gene: BRIP1 (BRCA1 interacting DNA helicase 1; minus strand). Cytogenetic location: 17q23.2.
Variant type: single nucleotide variant.
Coding change: c.1186C>G on transcript NM_032043.3 (MANE Select); coding-DNA position 1186, C replaced by G.
Protein change: p.His396Asp; replaces histidine 396 with aspartic acid.
Molecular consequence: missense variant.
Genome position (GRCh38, 1-based): chr17:61,799,254, G>C on the plus strand (C>G on the coding strand, the complement: BRIP1 is on the minus strand). VCF-style: chr17-61799254-G-C. GRCh37 (hg19) VCF-style: chr17-59876615-G-C.
Other names: short protein forms H396D.
Identifiers: ClinVar variation 659729 (VCV000659729.20), dbSNP rs1603342316, ClinGen allele CA400483735.
Genomic context (GRCh38, chr17:61,799,254, plus strand): 5'-GAAGCTGAACTTCTGTTACACTGTAACTTGCTGATTCCCGAGCACAGTCCTCGATGTTAT[G>C]AGCTTCATCTAAAATGACAACCTGTTCTTTCAGATTTAAATCCATCTATAAGATAAAAGA-3'
Protein context (NP_114432.2, residues 386-406): KEQVVILDEA[His396Asp]NIEDCARESA

ClinVar aggregate classification (germline): Conflicting classifications of pathogenicity. Review status: criteria provided, conflicting classifications (1 of 4 stars). 5 submissions from 5 submitters: Likely pathogenic (3); Uncertain significance (1). 1 of the submissions does not count toward it. Last evaluated 2026-02-25.

Conditions:
Hereditary cancer-predisposing syndrome. Also called: Hereditary neoplastic syndrome; Tumor predisposition; Hereditary Cancer Syndrome; Neoplastic Syndromes, Hereditary. Identifiers: Orphanet 140162, MedGen C0027672, MeSH D009386, MONDO:0015356.
Familial ovarian cancer. Identifiers: MedGen C5679802, MONDO:0016248.
Familial cancer of breast. Also called: hereditary breast carcinoma; BREAST CANCER, FAMILIAL; Hereditary breast cancer. Identifiers: Orphanet 227535, MedGen C0346153, MONDO:0016419, OMIM 114480. Disease mechanism: loss of function.
Fanconi anemia complementation group J. Also called: BRIP1-Related Fanconi Anemia. Identifiers: Orphanet 84, MedGen C1836860, MONDO:0012187, OMIM 609054.

gnomAD v4.1: 1 of 1,613,408 alleles (0.000062%); highest among the groups gnomAD compares: Admixed American, 0.0017%; no homozygotes.

Submissions (5):

Myriad Genetics, Inc.
Classification: Likely pathogenic for Familial ovarian cancer. Last evaluated: 2026-02-25. Review status: criteria provided, single submitter. Criteria: Myriad Autosomal Dominant, Autosomal Recessive and X-Linked Classification Criteria (2023). Collection method: clinical testing. Allele origin: unknown.
Comment: This variant is considered likely pathogenic. This variant has been reported in an individual with clinical features of gene-specific disease [PMID: 23613520]. Functional studies indicate this variant impacts protein function [PMID: 33619228, 29788478].

Ambry Genetics
Classification: Likely pathogenic for Hereditary cancer-predisposing syndrome. Last evaluated: 2026-01-07. Review status: criteria provided, single submitter. Criteria: Ambry Variant Classification Scheme 2023. Collection method: clinical testing. Allele origin: germline.
Comment: The p.H396D variant (also known as c.1186C>G), located in coding exon 8 of the BRIP1 gene, results from a C to G substitution at nucleotide position 1186. The histidine at codon 396 is replaced by aspartic acid, an amino acid with similar properties. This alteration was reported in one individual diagnosed with Fanconi anemia in trans with a second alteration in BRIP1 (Chandrasekharappa SC et al. Blood 2013 May;121(22):e138-48). Functional assays indicate this alteration eliminates the helicase activity of the protein, and severely compromises its ability to hydrolyze ATP (Bharti SK et al. Nucleic Acids Res., 2018 Jul;46:6238-6256). This amino acid position is highly conserved in available vertebrate species. In addition, this alteration is predicted to be deleterious by in silico analysis. This variant is considered to be rare based on population cohorts in the Genome Aggregation Database (gnomAD). Based on the majority of available evidence to date, this variant is likely to be pathogenic.

Labcorp Genetics (formerly Invitae), Labcorp
Classification: Uncertain significance for Familial cancer of breast; Fanconi anemia complementation group J. Last evaluated: 2024-03-02. Review status: criteria provided, single submitter. Criteria: Invitae Variant Classification Sherloc (09022015). Collection method: clinical testing. Allele origin: germline.
Comment: This sequence change replaces histidine, which is basic and polar, with aspartic acid, which is acidic and polar, at codon 396 of the BRIP1 protein (p.His396Asp). This variant is not present in population databases (gnomAD no frequency). This missense change has been observed in individual(s) with Fanconi anemia (PMID: 23613520). In at least one individual the data is consistent with being in trans (on the opposite chromosome) from a pathogenic variant. This variant is also known as FANCJ-H396D. ClinVar contains an entry for this variant (Variation ID: 659729). Advanced modeling of protein sequence and biophysical properties (such as structural, functional, and spatial information, amino acid conservation, physicochemical variation, residue mobility, and thermodynamic stability) performed at Invitae indicates that this missense variant is expected to disrupt BRIP1 protein function with a positive predictive value of 80%. Experimental studies have shown that this missense change affects BRIP1 function (PMID: 29788478). In summary, the available evidence is currently insufficient to determine the role of this variant in disease. Therefore, it has been classified as a Variant of Uncertain Significance.

Quest Diagnostics Nichols Institute San Juan Capistrano
Classification: Likely pathogenic. Last evaluated: 2019-07-26. Review status: criteria provided, single submitter. Criteria: Quest Diagnostics criteria. Collection method: clinical testing. Allele origin: germline.
Comment: Not found in the total gnomAD dataset, and the data is high quality (0/282116 chr). Found in at least one symptomatic patient. Predicted to have a damaging effect on the protein. Assessment of experimental evidence suggests this variant results in abnormal protein function.

Leiden Open Variation Database
Classification: Pathogenic for Fanconi anemia complementation group J. Last evaluated: 2013-10-04. Review status: no assertion criteria provided. Collection method: curation. Allele origin: germline. Affected: yes. Not counted in ClinVar's aggregate classification.
Comment: Curator: Arleen D. Auerbach. Submitter to LOVD: Arleen D. Auerbach.

Literature cited by the submitters: PubMed 23613520 (cited by 4 submitters); PubMed 33619228 (cited by Myriad Genetics, Inc.); PubMed 29788478 (cited by 4 submitters); PubMed 27427815 (cited by Ambry Genetics).